The following is an entry in ClinVar:

NM_006361.6(HOXB13):c.94C>G (p.Pro32Ala)

Gene: HOXB13 (homeobox B13; minus strand). Cytogenetic location: 17q21.32.
Variant type: single nucleotide variant.
Coding change: c.94C>G on transcript NM_006361.6 (MANE Select); coding-DNA position 94, C replaced by G.
Protein change: p.Pro32Ala; replaces proline 32 with alanine.
Molecular consequence: missense variant.
Genome position (GRCh38, 1-based): chr17:48,728,500, G>C on the plus strand (C>G on the coding strand, the complement: HOXB13 is on the minus strand). VCF-style: chr17-48728500-G-C. GRCh37 (hg19) VCF-style: chr17-46805862-G-C.
Other names: short protein forms P32A.
Identifiers: ClinVar variation 3663247 (VCV003663247.2).

ClinVar aggregate classification (germline): Uncertain significance (1 of 4 stars; one submission).

Submission:

Labcorp Genetics (formerly Invitae), Labcorp
Classification: Uncertain significance. Last evaluated: 2024-09-02. Review status: criteria provided, single submitter. Criteria: Invitae Variant Classification Sherloc (09022015). Collection method: clinical testing. Allele origin: germline.
Comment: This sequence change replaces proline, which is neutral and non-polar, with alanine, which is neutral and non-polar, at codon 32 of the HOXB13 protein (p.Pro32Ala). This variant is not present in population databases (gnomAD no frequency). This variant has not been reported in the literature in individuals affected with HOXB13-related conditions. An algorithm developed to predict the effect of missense changes on protein structure and function (PolyPhen-2) suggests that this variant is likely to be tolerated. In summary, the available evidence is currently insufficient to determine the role of this variant in disease. Therefore, it has been classified as a Variant of Uncertain Significance.